The following is an entry in ClinVar:

ClinVar aggregate classification (germline): Likely benign. Review status: criteria provided, multiple submitters, no conflicts (2 of 4 stars). 2 submissions from 2 submitters: Likely benign (2). Last evaluated 2025-07-21.

Conditions:
Generalized epilepsy-paroxysmal dyskinesia syndrome (PNKD3). Also called: Generalized epilepsy and paroxysmal dyskinesia; Paroxysmal nonkinesigenic dyskinesia, 3, with or without generalized epilepsy. Identifiers: Orphanet 79137, MedGen C5574945, MONDO:0012276, OMIM 609446.

Allele frequency attached by ClinVar (database versions not stated): gnomAD exomes 0.00003 and 0.00007; ExAC 0.00004; TOPMed 0.00006; gnomAD 0.00007.
gnomAD v4.1: 59 of 1,613,948 alleles (0.0037%); highest among the groups gnomAD compares: Admixed American, 0.037%; no homozygotes.

Submissions (2):

Labcorp Genetics (formerly Invitae), Labcorp
Classification: Likely benign for Generalized epilepsy-paroxysmal dyskinesia syndrome. Last evaluated: 2025-07-21. Review status: criteria provided, single submitter. Criteria: Invitae Variant Classification Sherloc (09022015). Collection method: clinical testing. Allele origin: germline.

CeGaT Center for Human Genetics Tuebingen
Classification: Likely benign. Last evaluated: 2023-08-01. Review status: criteria provided, single submitter. Criteria: CeGaT Center For Human Genetics Tuebingen Variant Classification Criteria Version 2. Collection method: clinical testing. Allele origin: germline. Affected: yes. Observed: 1 variant allele.
Comment: KCNMA1: BP4, BP7

NM_001161352.2(KCNMA1):c.3507G>A (p.Thr1169=)

Gene: KCNMA1 (potassium calcium-activated channel subfamily M alpha 1; minus strand). Cytogenetic location: 10q22.3.
Variant type: single nucleotide variant.
Coding change: c.3507G>A on transcript NM_001161352.2 (MANE Select); coding-DNA position 3507, G replaced by A.
Protein change: p.Thr1169=; no amino-acid change (threonine 1169 retained).
Molecular consequence: synonymous variant.
Genome position (GRCh38, 1-based): chr10:76,887,470, C>T on the plus strand (G>A on the coding strand, the complement: KCNMA1 is on the minus strand). VCF-style: chr10-76887470-C-T. GRCh37 (hg19) VCF-style: chr10-78647228-C-T.
Other names: c.3345G>A, p.Thr1115= (NM_001014797.3); c.3456G>A, p.Thr1152= (NM_001161353.2); c.3183G>A, p.Thr1061= (NM_001271518.2); c.3423G>A, p.Thr1141= (NM_001271519.2); c.3342G>A, p.Thr1114= (NM_001322829.2, NM_001322836.2); c.3435G>A, p.Thr1145= (NM_001322830.2); c.3333G>A, p.Thr1111= (NM_001322832.2, NM_002247.4); c.3426G>A, p.Thr1142= (NM_001322835.2, NM_001322837.2); and 1 more.
Identifiers: ClinVar variation 444226 (VCV000444226.33), dbSNP rs201721843, ClinGen allele CA5567822.